The following is an entry in ClinVar:

NM_000038.6(APC):c.7258T>G (p.Ser2420Ala)

Gene: APC (APC regulator of Wnt signaling pathway; plus strand). Cytogenetic location: 5q22.2.
Variant type: single nucleotide variant.
Coding change: c.7258T>G on transcript NM_000038.6 (MANE Select); coding-DNA position 7258, T replaced by G.
Protein change: p.Ser2420Ala; replaces serine 2420 with alanine.
Molecular consequence: missense variant.
Genome position (GRCh38, 1-based): chr5:112,842,852, T>G. VCF-style: chr5-112842852-T-G. GRCh37 (hg19) VCF-style: chr5-112178549-T-G.
Other names: c.7258T>G, p.Ser2420Ala (NM_001127510.3, NM_001354895.2); c.7204T>G, p.Ser2402Ala (NM_001127511.3); c.7312T>G, p.Ser2438Ala (NM_001354896.2); c.7288T>G, p.Ser2430Ala (NM_001354897.2); c.7183T>G, p.Ser2395Ala (NM_001354898.2); c.7174T>G, p.Ser2392Ala (NM_001354899.2); c.7135T>G, p.Ser2379Ala (NM_001354900.2); c.7081T>G, p.Ser2361Ala (NM_001354901.2); and 5 more; short protein forms S2137A, S2294A, S2438A, S2319A, S2361A, S2379A, S2430A, S2420A.
Identifiers: ClinVar variation 1043104 (VCV001043104.12), dbSNP rs754335788, ClinGen allele CA16037141.

ClinVar aggregate classification (germline): Uncertain significance. Review status: criteria provided, multiple submitters, no conflicts (2 of 4 stars). 2 submissions from 2 submitters: Uncertain significance (2). Last evaluated 2022-03-28.

Conditions:
Hereditary cancer-predisposing syndrome. Also called: Hereditary Cancer Syndrome; Tumor predisposition; Hereditary neoplastic syndrome; Neoplastic Syndromes, Hereditary. Identifiers: Orphanet 140162, MedGen C0027672, MeSH D009386, MONDO:0015356.
Familial adenomatous polyposis 1 (FAP1). Also called: FAMILIAL ADENOMATOUS POLYPOSIS 1, ATTENUATED; POLYPOSIS, ADENOMATOUS INTESTINAL. Identifiers: MedGen C2713442, MONDO:0021056, OMIM 175100. Disease mechanism: loss of function.

Submissions (2):

Labcorp Genetics (formerly Invitae), Labcorp
Classification: Uncertain significance for Familial adenomatous polyposis 1. Last evaluated: 2022-03-28. Review status: criteria provided, single submitter. Criteria: Invitae Variant Classification Sherloc (09022015). Collection method: clinical testing. Allele origin: germline.
Comment: In summary, the available evidence is currently insufficient to determine the role of this variant in disease. Therefore, it has been classified as a Variant of Uncertain Significance. Algorithms developed to predict the effect of missense changes on protein structure and function are either unavailable or do not agree on the potential impact of this missense change (SIFT: "Tolerated"; PolyPhen-2: "Possibly Damaging"; Align-GVGD: "Class C15"). ClinVar contains an entry for this variant (Variation ID: 1043104). This variant has not been reported in the literature in individuals affected with APC-related conditions. This variant is not present in population databases (gnomAD no frequency). This sequence change replaces serine, which is neutral and polar, with alanine, which is neutral and non-polar, at codon 2420 of the APC protein (p.Ser2420Ala).

Ambry Genetics
Classification: Uncertain significance for Hereditary cancer-predisposing syndrome. Last evaluated: 2021-12-22. Review status: criteria provided, single submitter. Criteria: Ambry Variant Classification Scheme 2023. Collection method: clinical testing. Allele origin: germline.
Comment: The p.S2420A variant (also known as c.7258T>G), located in coding exon 15 of the APC gene, results from a T to G substitution at nucleotide position 7258. The serine at codon 2420 is replaced by alanine, an amino acid with similar properties. This amino acid position is well conserved in available vertebrate species. In addition, in silico predictors for this gene do not accurately predict pathogenicity. Since supporting evidence is limited at this time, the clinical significance of this alteration remains unclear.